The following is an entry in ClinVar:

NM_130837.3(OPA1):c.2924A>C (p.Asp975Ala)

Gene: OPA1 (OPA1 mitochondrial dynamin like GTPase; plus strand). Cytogenetic location: 3q29.
Variant type: single nucleotide variant.
Coding change: c.2924A>C on transcript NM_130837.3 (MANE Select); coding-DNA position 2924, A replaced by C.
Protein change: p.Asp975Ala; replaces aspartic acid 975 with alanine.
Molecular consequence: missense variant.
Genome position (GRCh38, 1-based): chr3:193,667,221, A>C. VCF-style: chr3-193667221-A-C. GRCh37 (hg19) VCF-style: chr3-193385010-A-C.
Other names: c.2390A>C, p.Asp797Ala (NM_001354663.2); c.2387A>C, p.Asp796Ala (NM_001354664.2); c.2759A>C, p.Asp920Ala (NM_015560.3); c.2651A>C, p.Asp884Ala (NM_130831.3); c.2705A>C, p.Asp902Ala (NM_130832.3); c.2762A>C, p.Asp921Ala (NM_130833.3); c.2813A>C, p.Asp938Ala (NM_130834.3); c.2816A>C, p.Asp939Ala (NM_130835.3); and 1 more; short protein forms D921A, D957A, D938A, D939A, D796A, D797A, D902A, D920A.
Identifiers: ClinVar variation 2975787 (VCV002975787.3), dbSNP rs1432160044, ClinGen allele CA355797441.

ClinVar aggregate classification (germline): Uncertain significance (1 of 4 stars; one submission).

gnomAD v4.1: 3 of 1,610,106 alleles (0.00019%); highest among the groups gnomAD compares: Middle Eastern, 0.017%; no homozygotes.

Submission:

Labcorp Genetics (formerly Invitae), Labcorp
Classification: Uncertain significance. Last evaluated: 2022-12-30. Review status: criteria provided, single submitter. Criteria: Invitae Variant Classification Sherloc (09022015). Collection method: clinical testing. Allele origin: germline.
Comment: In summary, the available evidence is currently insufficient to determine the role of this variant in disease. Therefore, it has been classified as a Variant of Uncertain Significance. Advanced modeling of protein sequence and biophysical properties (such as structural, functional, and spatial information, amino acid conservation, physicochemical variation, residue mobility, and thermodynamic stability) performed at Invitae indicates that this missense variant is expected to disrupt OPA1 protein function. This variant has not been reported in the literature in individuals affected with OPA1-related conditions. This variant is present in population databases (no rsID available, gnomAD 0.0009%). This sequence change replaces aspartic acid, which is acidic and polar, with alanine, which is neutral and non-polar, at codon 920 of the OPA1 protein (p.Asp920Ala).